The following is an entry in ClinVar:

NM_000038.6(APC):c.1312+1059A>C

Gene: APC (APC regulator of WNT signaling pathway; plus strand). Cytogenetic location: 5q22.2.
Variant type: single nucleotide variant.
Coding change: c.1312+1059A>C on transcript NM_000038.6 (MANE Select); 1059 bases into the intron after coding-DNA position 1312, A replaced by C.
Molecular consequence: intron variant.
Genome position (GRCh38, 1-based): chr5:112,820,403, A>C. VCF-style: chr5-112820403-A-C. GRCh37 (hg19) VCF-style: chr5-112156100-A-C.
Other names: c.1312+1059A>C (NM_001354895.2, NM_001127510.3, NM_001354896.2); c.1342+1059A>C (NM_001354897.2); c.1039+1059A>C (NM_001354902.2); c.1258+1059A>C (NM_001127511.3); c.1237+1059A>C (NM_001354898.2); c.934+1059A>C (NM_001354904.2); c.463+1059A>C (NM_001354906.2); c.1009+1059A>C (NM_001354903.2); and 3 more.
Identifiers: ClinVar variation 82571 (VCV000082571.2), dbSNP rs75435442, ClinGen allele CA004185.

ClinVar aggregate classification (germline): other (0 of 4 stars; one submission).

Conditions:
Familial colorectal cancer. Identifiers: MedGen CN280943, MONDO:0023113. Disease mechanism: loss of function.

Submission:

Systems Biology Platform Zhejiang California International NanoSystems Institute
Classification: other for Familial colorectal cancer. Review status: no assertion criteria provided. Collection method: not provided. Allele origin: unknown.
ClinVar note: Converted during submission from cancer to other.